The following is an entry in ClinVar:

NM_001114753.3(ENG):c.818C>T (p.Thr273Ile)

Gene: ENG (endoglin; minus strand). Cytogenetic location: 9q34.11.
Variant type: single nucleotide variant.
Coding change: c.818C>T on transcript NM_001114753.3 (MANE Select); coding-DNA position 818, C replaced by T.
Protein change: p.Thr273Ile; replaces threonine 273 with isoleucine.
Molecular consequence: missense variant.
Genome position (GRCh38, 1-based): chr9:127,824,973, G>A on the plus strand (C>T on the coding strand, the complement: ENG is on the minus strand). VCF-style: chr9-127824973-G-A. GRCh37 (hg19) VCF-style: chr9-130587252-G-A.
Other names: c.818C>T, p.Thr273Ile (NM_000118.4, NM_001406715.1); c.272C>T, p.Thr91Ile (NM_001278138.2); short protein forms T273I, T91I.
Identifiers: ClinVar variation 163407 (VCV000163407.14), dbSNP rs727503038, ClinGen allele CA090915.
Genomic context (GRCh38, chr9:127,824,973, plus strand): 5'-GGGAGCTTGAAGCCACGAATGTTTTTCTCTGGAAAGATCTTGAAGGAGTATTCTCCAGTG[G>A]TCTAATGGTGGGGAGAGAGGCAGAACAGGGGGCCATGGACACAGTCTGTGCCACAGCAGG-3'
Protein context (NP_001108225.1, residues 263-283): IDANHNMQIW[Thr273Ile]TGEYSFKIFP

ClinVar aggregate classification (germline): Uncertain significance. Review status: criteria provided, multiple submitters, no conflicts (2 of 4 stars). 2 submissions from 2 submitters: Uncertain significance (2). Last evaluated 2024-06-04.

Conditions:
Hereditary hemorrhagic telangiectasia (HHT). Also called: Osler hemorrhagic telangiectasia syndrome; ORW DISEASE; Osler Weber Rendu syndrome; OSLER-RENDU-WEBER DISEASE. Identifiers: Orphanet 774, MedGen C0039445, MONDO:0019180. Disease mechanism: loss of function.

Submissions (2):

Labcorp Genetics (formerly Invitae), Labcorp
Classification: Uncertain significance for Hereditary hemorrhagic telangiectasia. Last evaluated: 2024-06-04. Review status: criteria provided, single submitter. Criteria: Invitae Variant Classification Sherloc (09022015). Collection method: clinical testing. Allele origin: germline.
Comment: This sequence change replaces threonine, which is neutral and polar, with isoleucine, which is neutral and non-polar, at codon 273 of the ENG protein (p.Thr273Ile). This variant is not present in population databases (gnomAD no frequency). This missense change has been observed in individual(s) with clinical features of hereditary hemorrhagic telangiectasia (Invitae). ClinVar contains an entry for this variant (Variation ID: 163407). An algorithm developed to predict the effect of missense changes on protein structure and function (PolyPhen-2) suggests that this variant is likely to be disruptive. In summary, the available evidence is currently insufficient to determine the role of this variant in disease. Therefore, it has been classified as a Variant of Uncertain Significance.

Laboratory for Molecular Medicine, Mass General Brigham Personalized Medicine
Classification: Uncertain significance. Last evaluated: 2015-12-16. Review status: criteria provided, single submitter. Criteria: LMM Criteria. Collection method: clinical testing. Allele origin: germline. Observed: 2 variant alleles.